The following is an entry in ClinVar:

GRCh37/hg19 16q24.1(chr16:86519903-86536742)x3

Gene: FENDRR (FOXF1 adjacent non-coding developmental regulatory RNA; minus strand). Cytogenetic location: 16q24.1.
Variant type: copy number gain.
Change: copy number 3 (three copies instead of two) of chr16:86,519,903-86,536,742 (16.8 kb, GRCh37 coordinates, 1-based), cytogenetic band 16q24.1.
Identifiers: ClinVar variation 393935 (VCV000393935.3).

ClinVar aggregate classification (germline): Benign/Likely benign (0 of 4 stars; one submission).

Submission:

ISCA Site 6
Classification: Benign/Likely benign. Review status: no assertion criteria provided. Collection method: clinical testing. Allele origin: unknown. Affected: yes. Observed: 3 variant alleles. Clinical features observed: Developmental delay AND/OR other significant developmental or morphological phenotypes.
Comment: Likely benign (1), Benign (2)

Copy number variation identified through the course of routine clinical cytogenomic testing in postnatal populations, with clinical assertions as classified by the original submitter. For data from the original published study, Kaminsky, et al. 2011 (PubMed 21844811), please see nstd101.